The following is an entry in ClinVar:

NM_000528.4(MAN2B1):c.406C>T (p.Gln136Ter)

Gene: MAN2B1 (mannosidase alpha class 2B member 1; minus strand). Cytogenetic location: 19p13.13.
Variant type: single nucleotide variant.
Coding change: c.406C>T on transcript NM_000528.4 (MANE Select); coding-DNA position 406, C replaced by T.
Protein change: p.Gln136Ter; replaces glutamine 136 with a stop codon.
Molecular consequence: nonsense.
Genome position (GRCh38, 1-based): chr19:12,665,382, G>A on the plus strand (C>T on the coding strand, the complement: MAN2B1 is on the minus strand). VCF-style: chr19-12665382-G-A. GRCh37 (hg19) VCF-style: chr19-12776196-G-A.
Other names: c.406C>T, p.Gln136Ter (NM_001173498.2); short protein forms Q136*.
Identifiers: ClinVar variation 2003070 (VCV002003070.4), dbSNP rs2512516231, ClinGen allele CA404256067.

ClinVar aggregate classification (germline): Pathogenic (1 of 4 stars; one submission).

Conditions:
Deficiency of alpha-mannosidase (MANSA). Also called: Alpha-Mannosidosis; Mannosidosis, alpha-, types I and II; LYSOSOMAL ALPHA-D-MANNOSIDASE DEFICIENCY. Identifiers: Orphanet 61, MedGen C0024748, MONDO:0009561, OMIM 248500.

Submission:

Labcorp Genetics (formerly Invitae), Labcorp
Classification: Pathogenic for Deficiency of alpha-mannosidase. Last evaluated: 2022-06-07. Review status: criteria provided, single submitter. Criteria: Invitae Variant Classification Sherloc (09022015). Collection method: clinical testing. Allele origin: germline.
Comment: For these reasons, this variant has been classified as Pathogenic. This variant has not been reported in the literature in individuals affected with MAN2B1-related conditions. This variant is not present in population databases (gnomAD no frequency). This sequence change creates a premature translational stop signal (p.Gln136*) in the MAN2B1 gene. It is expected to result in an absent or disrupted protein product. Loss-of-function variants in MAN2B1 are known to be pathogenic (PMID: 9915946, 22161967).

Literature cited by the submitters: PubMed 9915946; PubMed 22161967.